The following is an entry in ClinVar:

ClinVar aggregate classification (germline): Uncertain significance. Review status: criteria provided, multiple submitters, no conflicts (2 of 4 stars). 2 submissions from 2 submitters: Uncertain significance (2). Last evaluated 2023-08-30.

Conditions:
Beckwith-Wiedemann syndrome (BWS). Also called: EMG SYNDROME; Exomphalos macroglossia gigantism syndrome. Identifiers: Orphanet 116, MedGen C0004903, MONDO:0007534, OMIM 130650.
IMAGe syndrome. Also called: Intrauterine Growth Restriction, Metaphyseal Dysplasia, Adrenal Hypoplasia Congenita, and Genital Anomalies; Intrauterine growth retardation, metaphyseal dysplasia, adrenal hypoplasia congenita, and genital anomalies. Identifiers: Orphanet 85173, MedGen C1846009, MONDO:0013873, OMIM 614732.

Allele frequency attached by ClinVar (database versions not stated): gnomAD 0.00001.

Submissions (2):

Labcorp Genetics (formerly Invitae), Labcorp
Classification: Uncertain significance for Beckwith-Wiedemann syndrome. Last evaluated: 2023-08-30. Review status: criteria provided, single submitter. Criteria: Invitae Variant Classification Sherloc (09022015). Collection method: clinical testing. Allele origin: germline.
Comment: In summary, the available evidence is currently insufficient to determine the role of this variant in disease. Therefore, it has been classified as a Variant of Uncertain Significance. Advanced modeling of protein sequence and biophysical properties (such as structural, functional, and spatial information, amino acid conservation, physicochemical variation, residue mobility, and thermodynamic stability) performed at Invitae indicates that this missense variant is not expected to disrupt CDKN1C protein function. ClinVar contains an entry for this variant (Variation ID: 855774). This variant has not been reported in the literature in individuals affected with CDKN1C-related conditions. This variant is present in population databases (no rsID available, gnomAD 0.06%). This sequence change replaces proline, which is neutral and non-polar, with alanine, which is neutral and non-polar, at codon 164 of the CDKN1C protein (p.Pro164Ala).

Fulgent Genetics
Classification: Uncertain significance for Beckwith-Wiedemann syndrome; IMAGe syndrome. Last evaluated: 2021-12-23. Review status: criteria provided, single submitter. Criteria: ACMG Guidelines, 2015. Collection method: clinical testing. Allele origin: unknown.

NM_001122630.2(CDKN1C):c.457C>G (p.Pro153Ala)

Gene: CDKN1C (cyclin dependent kinase inhibitor 1C; minus strand). Cytogenetic location: 11p15.4.
Variant type: single nucleotide variant.
Coding change: c.457C>G on transcript NM_001122630.2 (MANE Select); coding-DNA position 457, C replaced by G.
Protein change: p.Pro153Ala; replaces proline 153 with alanine.
Molecular consequence: missense variant. On other transcripts: intron variant (1).
Genome position (GRCh38, 1-based): chr11:2,885,000, G>C on the plus strand (C>G on the coding strand, the complement: CDKN1C is on the minus strand). VCF-style: chr11-2885000-G-C. GRCh37 (hg19) VCF-style: chr11-2906230-G-C.
Other names: c.490C>G, p.Pro164Ala (NM_000076.2, NM_001362474.2); c.457C>G, p.Pro153Ala (NM_001122631.2); c.255+202C>G (NM_001362475.2); short protein forms P153A, P164A.
Identifiers: ClinVar variation 855774 (VCV000855774.11), dbSNP rs1323691763, ClinGen allele CA379146599.